The following is an entry in ClinVar:

NM_000540.3(RYR1):c.11385C>T (p.Ser3795=)

Gene: RYR1 (ryanodine receptor 1; plus strand). Cytogenetic location: 19q13.2.
Variant type: single nucleotide variant.
Coding change: c.11385C>T on transcript NM_000540.3 (MANE Select); coding-DNA position 11385, C replaced by T.
Protein change: p.Ser3795=; no amino-acid change (serine 3795 retained).
Molecular consequence: synonymous variant.
Genome position (GRCh38, 1-based): chr19:38,535,166, C>T. VCF-style: chr19-38535166-C-T. GRCh37 (hg19) VCF-style: chr19-39025806-C-T.
Other names: c.11370C>T, p.Ser3790= (NM_001042723.2).
Identifiers: ClinVar variation 329107 (VCV000329107.22), dbSNP rs757745087, ClinGen allele CA056848.

ClinVar aggregate classification (germline): Conflicting classifications of pathogenicity. Review status: criteria provided, conflicting classifications (1 of 4 stars). 6 submissions from 5 submitters: Uncertain significance (2); Likely benign (4). Last evaluated 2026-01-22.

Conditions:
RYR1-related disorder. Also called: RYR1-related condition; RYR1-related disorders. Identifiers: MedGen CN239331.
Congenital multicore myopathy with external ophthalmoplegia (CMYO1B). Also called: Minicore myopathy with external ophthalmoplegia; MULTIMINICORE DISEASE WITH EXTERNAL OPHTHALMOPLEGIA; Congenital myopathy 1B, autosomal recessive; Minicore myopathy; MULTICORE MYOPATHY. Identifiers: Orphanet 598, Orphanet 98905, MedGen C1850674, MONDO:0009712, OMIM 255320, HP:0003789.
Malignant hyperthermia, susceptibility to, 1 (MHS1). Also called: Malignant hyperthermia suceptibility 1; RYR1-Related Malignant Hyperthermia Susceptibility; Anesthesia related hyperthermia; Malignant hyperpyrexia; Fulminating hyperpyrexia; Pharmacogenic myopathy. Identifiers: Orphanet 423, MedGen C2930980, MONDO:0007783, OMIM 145600.

Allele frequency attached by ClinVar (database versions not stated): ExAC 0.00002; gnomAD 0.00002; gnomAD exomes 0.00002 and 0.00003; TOPMed 0.00003.
gnomAD v4.1: 43 of 1,613,954 alleles (0.0027%); highest among the groups gnomAD compares: Admixed American, 0.0067%; no homozygotes.

Submissions (6):

Labcorp Genetics (formerly Invitae), Labcorp
Classification: Likely benign for RYR1-related disorder. Last evaluated: 2026-01-22. Review status: criteria provided, single submitter. Criteria: Invitae Variant Classification Sherloc (09022015). Collection method: clinical testing. Allele origin: germline.

CeGaT Center for Human Genetics Tuebingen
Classification: Likely benign. Last evaluated: 2025-04-01. Review status: criteria provided, single submitter. Criteria: CeGaT Center For Human Genetics Tuebingen Variant Classification Criteria Version 2. Collection method: clinical testing. Allele origin: germline. Affected: yes. Observed: 1 variant allele.
Comment: RYR1: BP4, BP7

All of Us Research Program, National Institutes of Health
Classification: Likely benign for Malignant hyperthermia, susceptibility to, 1. Last evaluated: 2024-02-05. Review status: criteria provided, single submitter. Criteria: ACMG Guidelines, 2015. Collection method: clinical testing. Allele origin: germline. Inheritance: Autosomal dominant inheritance. Observed: 9 variant alleles, 9 heterozygotes.
Comment: This variant is located in the RYR1 protein. To our knowledge, functional studies have not been reported for this variant. This variant has not been reported in individuals affected with RYR1-related disorders in the literature. This variant has been identified in 6/251246 chromosomes in the general population by the Genome Aggregation Database (gnomAD). The available evidence is insufficient to determine the role of this variant in disease conclusively. Therefore, this variant is classified as a Variant of Uncertain Significance.

This study involves interpretation of variants in research participants for the purpose of population health screening. Participant phenotype was not available at the time of variant classification. Additional details can be found in publication PMID: 35346344, PMCID: PMC8962531

Color Diagnostics, LLC DBA Color Health
Classification: Likely benign for Malignant hyperthermia, susceptibility to, 1. Last evaluated: 2023-11-22. Review status: criteria provided, single submitter. Criteria: ACMG Guidelines, 2015. Collection method: clinical testing. Allele origin: germline.

Illumina Laboratory Services, Illumina
Classification: Uncertain significance for Malignant hyperthermia, susceptibility to, 1. Last evaluated: 2018-01-13. Review status: criteria provided, single submitter. Criteria: ICSL Variant Classification Criteria 13 December 2019. Collection method: clinical testing. Allele origin: germline.

Illumina Laboratory Services, Illumina
Classification: Uncertain significance for Congenital multicore myopathy with external ophthalmoplegia. Last evaluated: 2018-01-13. Review status: criteria provided, single submitter. Criteria: ICSL Variant Classification Criteria 13 December 2019. Collection method: clinical testing. Allele origin: germline.